The following is an entry in ClinVar:

NM_001122630.2(CDKN1C):c.509C>A (p.Ala170Asp)

Gene: CDKN1C (cyclin dependent kinase inhibitor 1C; minus strand). Cytogenetic location: 11p15.4.
Variant type: single nucleotide variant.
Coding change: c.509C>A on transcript NM_001122630.2 (MANE Select); coding-DNA position 509, C replaced by A.
Protein change: p.Ala170Asp; replaces alanine 170 with aspartic acid.
Molecular consequence: missense variant. On other transcripts: intron variant (1).
Genome position (GRCh38, 1-based): chr11:2,884,948, G>T on the plus strand (C>A on the coding strand, the complement: CDKN1C is on the minus strand). VCF-style: chr11-2884948-G-T. GRCh37 (hg19) VCF-style: chr11-2906178-G-T.
Other names: c.542C>A, p.Ala181Asp (NM_000076.2, NM_001362474.2); c.509C>A, p.Ala170Asp (NM_001122631.2); c.255+254C>A (NM_001362475.2); short protein forms A170D, A181D.
Identifiers: ClinVar variation 841190 (VCV000841190.7), dbSNP rs1332953428, ClinGen allele CA379146498.
Genomic context (GRCh38, chr11:2,884,948, plus strand): 5'-GCTGGGGCCGGGGCCGCGACTGGAGCCGGGGCCGGAGCCGGAGCCGGAGCCGGGGCCGGG[G>T]CCGGGGCCAGGACCGCGACCGCGACCGGAGCCGCGACCGGAGCCGCGACCGGAGCCGGAG-3'
Protein context (NP_001116102.1, residues 160-180): APVAVAVLAP[Ala170Asp]PAPAPAPAPA

ClinVar aggregate classification (germline): Uncertain significance (1 of 4 stars; one submission).

Conditions:
Beckwith-Wiedemann syndrome (BWS). Also called: Exomphalos macroglossia gigantism syndrome; EMG SYNDROME. Identifiers: Orphanet 116, MedGen C0004903, MONDO:0007534, OMIM 130650.

gnomAD v4.1: 3 of 1,011,702 alleles (0.0003%); highest among the groups gnomAD compares: East Asian, 0.0044%; no homozygotes.

Submission:

Labcorp Genetics (formerly Invitae), Labcorp
Classification: Uncertain significance for Beckwith-Wiedemann syndrome. Last evaluated: 2023-10-15. Review status: criteria provided, single submitter. Criteria: Invitae Variant Classification Sherloc (09022015). Collection method: clinical testing. Allele origin: germline.
Comment: This sequence change replaces alanine, which is neutral and non-polar, with aspartic acid, which is acidic and polar, at codon 181 of the CDKN1C protein (p.Ala181Asp). The frequency data for this variant in the population databases is considered unreliable, as metrics indicate insufficient coverage at this position in the gnomAD database. This variant has not been reported in the literature in individuals affected with CDKN1C-related conditions. ClinVar contains an entry for this variant (Variation ID: 841190). Advanced modeling of protein sequence and biophysical properties (such as structural, functional, and spatial information, amino acid conservation, physicochemical variation, residue mobility, and thermodynamic stability) performed at Invitae indicates that this missense variant is not expected to disrupt CDKN1C protein function. In summary, the available evidence is currently insufficient to determine the role of this variant in disease. Therefore, it has been classified as a Variant of Uncertain Significance.